The following is an entry in ClinVar:

ClinVar aggregate classification (germline): Uncertain significance. Review status: criteria provided, multiple submitters, no conflicts (2 of 4 stars). 2 submissions from 2 submitters: Uncertain significance (2). Last evaluated 2025-02-12.

Conditions:
Inborn genetic diseases. Identifiers: MedGen C0950123, MeSH D030342.

Allele frequency attached by ClinVar (database versions not stated): gnomAD 0.00001 and 0.00003; TOPMed 0.00002.
gnomAD v4.1: 31 of 1,609,840 alleles (0.0019%); highest among the groups gnomAD compares: Middle Eastern, 0.016%; no homozygotes.

Submissions (2):

Ambry Genetics
Classification: Uncertain significance for Inborn genetic diseases. Last evaluated: 2025-02-12. Review status: criteria provided, single submitter. Criteria: Ambry Variant Classification Scheme 2023. Collection method: clinical testing. Allele origin: germline.

GeneDx
Classification: Uncertain significance. Last evaluated: 2018-07-02. Review status: criteria provided, single submitter. Criteria: GeneDx Variant Classification (06012015). Collection method: clinical testing. Allele origin: germline. Affected: yes.
Comment: The R192C variant in the MYO15A gene has not been reported previously as a pathogenic variant, nor as a benign variant, to our knowledge. The R192C variant is not observed at a significant frequency in large population cohorts (Lek et al., 2016; 1000 Genomes Consortium et al., 2015; Exome Variant Server). The R192C variant is a non-conservative amino acid substitution, which is likely to impact secondary protein structure as these residues differ in polarity, charge, size and/or other properties. This substitution occurs at a position that is conserved in mammals. In silico analysis is inconsistent in its predictions as to whether or not the variant is damaging to the protein structure/function. We interpret R192C as a variant of uncertain significance.

NM_016239.4(MYO15A):c.574C>T (p.Arg192Cys)

Gene: MYO15A (myosin XVA; plus strand). Cytogenetic location: 17p11.2.
Variant type: single nucleotide variant.
Coding change: c.574C>T on transcript NM_016239.4 (MANE Select); coding-DNA position 574, C replaced by T.
Protein change: p.Arg192Cys; replaces arginine 192 with cysteine.
Molecular consequence: missense variant.
Genome position (GRCh38, 1-based): chr17:18,119,374, C>T. VCF-style: chr17-18119374-C-T. GRCh37 (hg19) VCF-style: chr17-18022688-C-T.
Other names: short protein forms R192C.
Identifiers: ClinVar variation 432257 (VCV000432257.3), dbSNP rs750828556, ClinGen allele CA8422881.
Genomic context (GRCh38, chr17:18,119,374, plus strand): 5'-CTCCCCTTCCCGTCGGGTGCCGAGATCCTGCGGCCTGGGGGCCGGCTCCGGAGGTTCCCC[C>T]GCAGCCGCAGCATCTACGCGTCAGGCGAGCCCCTGGGCTTCCTGCCCTTCGAGGACGAGG-3'
Protein context (NP_057323.3, residues 182-202): RPGGRLRRFP[Arg192Cys]SRSIYASGEP